The following is an entry in ClinVar:

ClinVar aggregate classification (germline): Uncertain significance. Review status: criteria provided, multiple submitters, no conflicts (2 of 4 stars). 2 submissions from 2 submitters: Uncertain significance (2). Last evaluated 2024-11-11.

Conditions:
Succinate-semialdehyde dehydrogenase deficiency (SSADHD). Also called: 4-HYDROXYBUTYRIC ACIDURIA; GABA METABOLIC DEFECT; SSADH DEFICIENCY; Succinic Semialdehyde Dehydrogenase Deficiency. Identifiers: Orphanet 22, MedGen C0268631, MONDO:0010083, OMIM 271980.

Allele frequency attached by ClinVar (database versions not stated): ExAC 0.00002; gnomAD 0.00003; TOPMed 0.00003; ESP Exome Variant Server 0.00008.
gnomAD v4.1: 4 of 1,614,076 alleles (0.00025%); highest among the groups gnomAD compares: African/African-American, 0.0053%; no homozygotes.

Submissions (2):

GeneDx
Classification: Uncertain significance. Last evaluated: 2024-11-11. Review status: criteria provided, single submitter. Criteria: GeneDx Variant Classification Process June 2021. Collection method: clinical testing. Allele origin: germline. Affected: yes.
Comment: In silico analysis indicates that this missense variant does not alter protein structure/function; Has not been previously published as pathogenic or benign to our knowledge

Labcorp Genetics (formerly Invitae), Labcorp
Classification: Uncertain significance for Succinate-semialdehyde dehydrogenase deficiency. Last evaluated: 2022-01-26. Review status: criteria provided, single submitter. Criteria: Invitae Variant Classification Sherloc (09022015). Collection method: clinical testing. Allele origin: germline.
Comment: This sequence change replaces leucine, which is neutral and non-polar, with arginine, which is basic and polar, at codon 310 of the ALDH5A1 protein (p.Leu310Arg). In summary, the available evidence is currently insufficient to determine the role of this variant in disease. Therefore, it has been classified as a Variant of Uncertain Significance. Advanced modeling of protein sequence and biophysical properties (such as structural, functional, and spatial information, amino acid conservation, physicochemical variation, residue mobility, and thermodynamic stability) performed at Invitae indicates that this missense variant is not expected to disrupt ALDH5A1 protein function. This variant has not been reported in the literature in individuals affected with ALDH5A1-related conditions. This variant is present in population databases (rs372399735, gnomAD 0.02%).

NM_001080.3(ALDH5A1):c.929T>G (p.Leu310Arg)

Gene: ALDH5A1 (aldehyde dehydrogenase 5 family member A1; plus strand). Cytogenetic location: 6p22.3.
Variant type: single nucleotide variant.
Coding change: c.929T>G on transcript NM_001080.3 (MANE Select); coding-DNA position 929, T replaced by G.
Protein change: p.Leu310Arg; replaces leucine 310 with arginine.
Molecular consequence: missense variant.
Genome position (GRCh38, 1-based): chr6:24,520,459, T>G. VCF-style: chr6-24520459-T-G. GRCh37 (hg19) VCF-style: chr6-24520687-T-G.
Other names: c.785T>G, p.Leu262Arg (NM_001368954.1); c.968T>G, p.Leu323Arg (NM_170740.1); short protein forms L310R, L323R, L262R.
Identifiers: ClinVar variation 2168098 (VCV002168098.3), dbSNP rs372399735, ClinGen allele CA3656798.
Genomic context (GRCh38, chr6:24,520,459, plus strand): 5'-AGATCCTGTTGCACCACGCAGCAAACTCTGTGAAAAGGGTCTCTATGGAGCTGGGCGGCC[T>G]TGCTCCATTTATAGTATTTGACAGTGCCAACGTGGACCAGGCTGTAGCAGGGGCCATGGC-3'
Protein context (NP_001071.1, residues 300-320): VKRVSMELGG[Leu310Arg]APFIVFDSAN